The following is an entry in ClinVar:

ClinVar aggregate classification (germline): Likely benign. Review status: criteria provided, multiple submitters, no conflicts (2 of 4 stars). 4 submissions from 4 submitters: Likely benign (3). 1 of the submissions does not count toward it. Last evaluated 2024-10-21.

Conditions:
Cohen syndrome (COH1). Also called: Cutis verticis gyrata, retinitis pigmentosa, and sensorineural deafness; PEPPER SYNDROME. Identifiers: Orphanet 193, MedGen C0265223, MONDO:0008999, OMIM 216550.

Allele frequency attached by ClinVar (database versions not stated): gnomAD exomes below 0.00001; TOPMed below 0.00001; gnomAD 0.00001.
gnomAD v4.1: 3 of 1,613,710 alleles (0.00019%); highest among the groups gnomAD compares: Non-Finnish European, 0.00025%; no homozygotes.

Submissions (4):

Labcorp Genetics (formerly Invitae), Labcorp
Classification: Likely benign for Cohen syndrome. Last evaluated: 2024-10-21. Review status: criteria provided, single submitter. Criteria: Invitae Variant Classification Sherloc (09022015). Collection method: clinical testing. Allele origin: germline.

Blueprint Genetics
Classification: Likely benign. Last evaluated: 2023-08-22. Review status: criteria provided, single submitter. Criteria: ACMG Guidelines, 2015. Collection method: clinical testing. Allele origin: germline.

CeGaT Center for Human Genetics Tuebingen
Classification: Likely benign. Last evaluated: 2023-01-01. Review status: criteria provided, single submitter. Criteria: CeGaT Center For Human Genetics Tuebingen Variant Classification Criteria Version 2. Collection method: clinical testing. Allele origin: germline. Affected: yes. Observed: 1 variant allele.
Comment: VPS13B: BP4, BP7

Natera, Inc.
Classification: Uncertain significance for Cohen syndrome. Last evaluated: 2025-05-13. Review status: no assertion criteria provided. Collection method: clinical testing. Allele origin: germline. Not counted in ClinVar's aggregate classification.

NM_152564.5(VPS13B):c.1701A>G (p.Gly567=)

Gene: VPS13B (vacuolar protein sorting 13 homolog B; plus strand). Cytogenetic location: 8q22.2.
Variant type: single nucleotide variant.
Coding change: c.1701A>G on transcript NM_152564.5 (MANE Select); coding-DNA position 1701, A replaced by G.
Protein change: p.Gly567=; no amino-acid change (glycine 567 retained).
Molecular consequence: synonymous variant.
Genome position (GRCh38, 1-based): chr8:99,143,023, A>G. VCF-style: chr8-99143023-A-G. GRCh37 (hg19) VCF-style: chr8-100155251-A-G.
Other names: c.1701A>G, p.Gly567= (NM_015243.3, NM_017890.5).
Identifiers: ClinVar variation 1918688 (VCV001918688.31), dbSNP rs1233669833, ClinGen allele CA462422908.